The following is an entry in ClinVar:

NM_201550.4(LRRC10):c.608G>A (p.Arg203His)

Gene: LRRC10 (leucine rich repeat containing 10; minus strand). Cytogenetic location: 12q15.
Variant type: single nucleotide variant.
Coding change: c.608G>A on transcript NM_201550.4 (MANE Select); coding-DNA position 608, G replaced by A.
Protein change: p.Arg203His; replaces arginine 203 with histidine.
Molecular consequence: missense variant.
Genome position (GRCh38, 1-based): chr12:69,610,231, C>T on the plus strand (G>A on the coding strand, the complement: LRRC10 is on the minus strand). VCF-style: chr12-69610231-C-T. GRCh37 (hg19) VCF-style: chr12-70004011-C-T.
Other names: c.608G>A (NM_201550.2); short protein forms R203H.
Identifiers: ClinVar variation 642165 (VCV000642165.7), dbSNP rs766586554, ClinGen allele CA6681035.
Genomic context (GRCh38, chr12:69,610,231, plus strand): 5'-GGATTGTGGTCATAGATGACCAGCTTCAGACTTGACAGGTGCGCCAGGCTGGGGAAGTAA[C>T]GGATGCTGTTCCAGTCCACATCAATCACCTCCAGGAAGGGCATGTGAAGCAGCACAGTGG-3'
Protein context (NP_963844.2, residues 193-213): EVIDVDWNSI[Arg203His]YFPSLAHLSS

ClinVar aggregate classification (germline): Uncertain significance. Review status: criteria provided, multiple submitters, no conflicts (2 of 4 stars). 2 submissions from 2 submitters: Uncertain significance (2). Last evaluated 2024-03-28.

Allele frequency attached by ClinVar (database versions not stated): TOPMed 0.00001; gnomAD 0.00001.
gnomAD v4.1: 26 of 1,614,084 alleles (0.0016%); highest among the groups gnomAD compares: East Asian, 0.0045%; no homozygotes.

Submissions (2):

Labcorp Genetics (formerly Invitae), Labcorp
Classification: Uncertain significance. Last evaluated: 2024-03-28. Review status: criteria provided, single submitter. Criteria: Invitae Variant Classification Sherloc (09022015). Collection method: clinical testing. Allele origin: germline.
Comment: This sequence change replaces arginine, which is basic and polar, with histidine, which is basic and polar, at codon 203 of the LRRC10 protein (p.Arg203His). This variant is present in population databases (rs766586554, gnomAD 0.02%). This variant has not been reported in the literature in individuals affected with LRRC10-related conditions. ClinVar contains an entry for this variant (Variation ID: 642165). Algorithms developed to predict the effect of missense changes on protein structure and function output the following: SIFT: "Not Available"; PolyPhen-2: "Benign"; Align-GVGD: "Not Available". The histidine amino acid residue is found in multiple mammalian species, which suggests that this missense change does not adversely affect protein function. In summary, the available evidence is currently insufficient to determine the role of this variant in disease. Therefore, it has been classified as a Variant of Uncertain Significance.

Ambry Genetics
Classification: Uncertain significance. Last evaluated: 2023-11-22. Review status: criteria provided, single submitter. Criteria: Ambry Variant Classification Scheme 2023. Collection method: clinical testing. Allele origin: germline.